The following is an entry in ClinVar:

NM_199242.3(UNC13D):c.3011T>C (p.Leu1004Pro)

Gene: UNC13D (unc-13 homolog D; minus strand). Cytogenetic location: 17q25.1.
Variant type: single nucleotide variant.
Coding change: c.3011T>C on transcript NM_199242.3 (MANE Select); coding-DNA position 3011, T replaced by C.
Protein change: p.Leu1004Pro; replaces leucine 1004 with proline.
Molecular consequence: missense variant.
Genome position (GRCh38, 1-based): chr17:75,828,927, A>G on the plus strand (T>C on the coding strand, the complement: UNC13D is on the minus strand). VCF-style: chr17-75828927-A-G. GRCh37 (hg19) VCF-style: chr17-73825008-A-G.
Other names: short protein forms L1004P.
Identifiers: ClinVar variation 1025835 (VCV001025835.8), dbSNP rs371940934, ClinGen allele CA8772310.
Genomic context (GRCh38, chr17:75,828,927, plus strand): 5'-TCACGCAGCGGCAGGAAGGCCTCGCCTTCCAGGTCGTCGGCCCCCAGCGTGTCGTAGTCC[A>G]GCACGGTGAGCAGGAGGCATGCCCCAGCCTTGCGGCACGGCTCAGCAGGCACCAGGCTGC-3'
Protein context (NP_954712.1, residues 994-1014): KAGACLLLTV[Leu1004Pro]DYDTLGADDL

ClinVar aggregate classification (germline): Uncertain significance (1 of 4 stars; one submission).

Conditions:
Familial hemophagocytic lymphohistiocytosis 3 (FHL3). Also called: UNC13D-Related Familial Hemophagocytic Lymphohistiocytosis (UNC13D-fHLH). Identifiers: Orphanet 540, MedGen C1837174, MONDO:0012146, OMIM 608898.

Allele frequency attached by ClinVar (database versions not stated): gnomAD exomes below 0.00001; ExAC 0.00001; gnomAD 0.00001.
gnomAD v4.1: 2 of 1,606,690 alleles (0.00012%); highest among the groups gnomAD compares: Non-Finnish European, 0.00017%; no homozygotes.

Submission:

Labcorp Genetics (formerly Invitae), Labcorp
Classification: Uncertain significance for Familial hemophagocytic lymphohistiocytosis 3. Last evaluated: 2024-10-15. Review status: criteria provided, single submitter. Criteria: Invitae Variant Classification Sherloc (09022015). Collection method: clinical testing. Allele origin: germline.
Comment: This sequence change replaces leucine, which is neutral and non-polar, with proline, which is neutral and non-polar, at codon 1004 of the UNC13D protein (p.Leu1004Pro). This variant is not present in population databases (gnomAD no frequency). This variant has not been reported in the literature in individuals affected with UNC13D-related conditions. ClinVar contains an entry for this variant (Variation ID: 1025835). Invitae Evidence Modeling of protein sequence and biophysical properties (such as structural, functional, and spatial information, amino acid conservation, physicochemical variation, residue mobility, and thermodynamic stability) indicates that this missense variant is not expected to disrupt UNC13D protein function with a negative predictive value of 80%. In summary, the available evidence is currently insufficient to determine the role of this variant in disease. Therefore, it has been classified as a Variant of Uncertain Significance.